The following is an entry in ClinVar:

ClinVar aggregate classification (germline): Conflicting classifications of pathogenicity. Review status: criteria provided, conflicting classifications (1 of 4 stars). 4 submissions from 4 submitters: Uncertain significance (3); Likely benign (1). Last evaluated 2025-01-15.

Conditions:
MHC class I deficiency. Identifiers: Orphanet 34592, MedGen C6024714, MONDO:0011476.

Allele frequency attached by ClinVar (database versions not stated): gnomAD exomes 0.00003 and 0.00007; ExAC 0.00013; gnomAD 0.00028 and 0.00031; TOPMed 0.00028; ESP Exome Variant Server 0.00046.
gnomAD v4.1: 80 of 1,590,220 alleles (0.005%); highest among the groups gnomAD compares: African/African-American, 0.086%; 1 homozygote.

Submissions (4):

Labcorp Genetics (formerly Invitae), Labcorp
Classification: Uncertain significance for MHC class I deficiency 1. Last evaluated: 2025-01-15. Review status: criteria provided, single submitter. Criteria: Invitae Variant Classification Sherloc (09022015). Collection method: clinical testing. Allele origin: germline.
Comment: This sequence change replaces alanine, which is neutral and non-polar, with threonine, which is neutral and polar, at codon 192 of the TAPBP protein (p.Ala192Thr). This variant is present in population databases (rs146216992, gnomAD 0.1%), and has an allele count higher than expected for a pathogenic variant. This variant has not been reported in the literature in individuals affected with TAPBP-related conditions. ClinVar contains an entry for this variant (Variation ID: 835970). An algorithm developed to predict the effect of missense changes on protein structure and function outputs the following: PolyPhen-2: "Benign". The threonine amino acid residue is found in multiple mammalian species, which suggests that this missense change does not adversely affect protein function. In summary, the available evidence is currently insufficient to determine the role of this variant in disease. Therefore, it has been classified as a Variant of Uncertain Significance.

Ambry Genetics
Classification: Uncertain significance. Last evaluated: 2023-12-14. Review status: criteria provided, single submitter. Criteria: Ambry Variant Classification Scheme 2023. Collection method: clinical testing. Allele origin: germline.

Blueprint Genetics
Classification: Likely benign. Last evaluated: 2023-01-27. Review status: criteria provided, single submitter. Criteria: ACMG Guidelines, 2015. Collection method: clinical testing. Allele origin: germline.

Breakthrough Genomics
Classification: Uncertain significance. Review status: criteria provided, single submitter. Criteria: ACMG Guidelines, 2015. Collection method: not provided. Allele origin: germline. Inheritance: Autosomal recessive inheritance. Affected: yes.

NM_003190.5(TAPBP):c.574G>A (p.Ala192Thr)

Gene: TAPBP (TAP binding protein; minus strand). Cytogenetic location: 6p21.32.
Variant type: single nucleotide variant.
Coding change: c.574G>A on transcript NM_003190.5 (MANE Select); coding-DNA position 574, G replaced by A.
Protein change: p.Ala192Thr; replaces alanine 192 with threonine.
Molecular consequence: missense variant.
Genome position (GRCh38, 1-based): chr6:33,305,283, C>T on the plus strand (G>A on the coding strand, the complement: TAPBP is on the minus strand). VCF-style: chr6-33305283-C-T. GRCh37 (hg19) VCF-style: chr6-33273060-C-T.
Other names: c.574G>A, p.Ala192Thr (NM_172208.3); c.313G>A, p.Ala105Thr (NM_172209.3); short protein forms A105T, A192T.
Identifiers: ClinVar variation 835970 (VCV000835970.12), dbSNP rs146216992, ClinGen allele CA3755851.